The following is an entry in ClinVar:

NM_000022.4(ADA):c.144C>T (p.Asn48=)

Genes: ADA (adenosine deaminase; minus strand), LOC107303343 (adenosine deaminase intronic regulatory elements; plus strand). Cytogenetic location: 20q13.12.
Variant type: single nucleotide variant.
Coding change: c.144C>T on transcript NM_000022.4 (MANE Select); coding-DNA position 144, C replaced by T.
Protein change: p.Asn48=; no amino-acid change (asparagine 48 retained).
Molecular consequence: synonymous variant. On other transcripts: 5 prime UTR variant (1), non-coding transcript variant (1).
Genome position (GRCh38, 1-based): chr20:44,629,121, G>A on the plus strand (C>T on the coding strand, the complement: ADA is on the minus strand). VCF-style: chr20-44629121-G-A. GRCh37 (hg19) VCF-style: chr20-43257762-G-A.
Other names: p.Asn48=; c.-146C>T (NM_001322050.2); c.144C>T, p.Asn48= (NM_001322051.2).
Identifiers: ClinVar variation 747606 (VCV000747606.15), dbSNP rs189751145, ClinGen allele CA9871752.

ClinVar aggregate classification (germline): Likely benign. Review status: criteria provided, multiple submitters, no conflicts (2 of 4 stars). 3 submissions from 3 submitters: Likely benign (2). 1 of the submissions does not count toward it. Last evaluated 2026-01-13.

Conditions:
Severe combined immunodeficiency, autosomal recessive, T cell-negative, B cell-negative, NK cell-negative, due to adenosine deaminase deficiency. Also called: ADA deficiency; Adenosine deaminase deficient severe combined immunodeficiency; Severe combined immunodeficiency due to ADA deficiency; SCID DUE TO ADA DEFICIENCY; SCID DUE TO ADA DEFICIENCY, EARLY-ONSET; ADA-SCID. Identifiers: Orphanet 277, MedGen C0392607, MONDO:0007064, OMIM 102700.

Allele frequency attached by ClinVar (database versions not stated): gnomAD 0.00002 and 0.00007; TOPMed 0.00010; gnomAD exomes 0.00014; ExAC 0.00018; 1000 Genomes Project 0.00060; 1000 Genomes Project 30x 0.00125.
gnomAD v4.1: 58 of 1,614,206 alleles (0.0036%); highest among the groups gnomAD compares: East Asian, 0.062%; no homozygotes.

Submissions (3):

Labcorp Genetics (formerly Invitae), Labcorp
Classification: Likely benign for Severe combined immunodeficiency, autosomal recessive, T cell-negative, B cell-negative, NK cell-negative, due to adenosine deaminase deficiency. Last evaluated: 2026-01-13. Review status: criteria provided, single submitter. Criteria: Invitae Variant Classification Sherloc (09022015). Collection method: clinical testing. Allele origin: germline.

Mayo Clinic Laboratories, Mayo Clinic
Classification: Likely benign. Last evaluated: 2025-10-30. Review status: criteria provided, single submitter. Criteria: ACMG Guidelines, 2015. Collection method: clinical testing. Allele origin: germline. Observed: 1 variant allele.
Comment: BP4, BP7

Natera, Inc.
Classification: Likely benign for Severe combined immunodeficiency due to ADA deficiency. Last evaluated: 2021-02-26. Review status: no assertion criteria provided. Collection method: clinical testing. Allele origin: germline. Not counted in ClinVar's aggregate classification.